The following is an entry in ClinVar:

ClinVar aggregate classification (germline): Uncertain significance (1 of 4 stars; one submission).

Submission:

Labcorp Genetics (formerly Invitae), Labcorp
Classification: Uncertain significance. Last evaluated: 2023-07-10. Review status: criteria provided, single submitter. Criteria: Invitae Variant Classification Sherloc (09022015). Collection method: clinical testing. Allele origin: germline.
Comment: This variant, c.8708_8710del, results in the deletion of 1 amino acid(s) of the SZT2 protein (p.Phe2903del), but otherwise preserves the integrity of the reading frame. In summary, the available evidence is currently insufficient to determine the role of this variant in disease. Therefore, it has been classified as a Variant of Uncertain Significance. Experimental studies and prediction algorithms are not available or were not evaluated, and the functional significance of this variant is currently unknown. ClinVar contains an entry for this variant (Variation ID: 1358500). This variant has not been reported in the literature in individuals affected with SZT2-related conditions. This variant is present in population databases (rs765134338, gnomAD 0.003%).

NM_001365999.1(SZT2):c.8879_8881del (p.Phe2960del)

Gene: SZT2 (SZT2 subunit of KICSTOR complex; plus strand). Cytogenetic location: 1p34.2.
Variant type: Deletion.
Coding change: c.8879_8881del on transcript NM_001365999.1 (MANE Select); coding-DNA positions 8879 to 8881, 3 bases deleted (TCT; older notation c.8879_8881delTCT).
Protein change: p.Phe2960del; deletes phenylalanine 2960.
Molecular consequence: inframe deletion.
Genome position (GRCh38, 1-based): chr1:43,445,947-43,445,949, TCT deleted; deleting any 3 consecutive bases within chr1:43,445,945-43,445,949 gives the same sequence; the c. name uses the placement nearest the transcript's 3' end. VCF-style (leftmost placement, unchanged base first): chr1-43445944-CCTT-C. GRCh37 (hg19) VCF-style: chr1-43911615-CCTT-C.
Other names: c.8708_8710del, p.Phe2903del (NM_015284.4); short protein forms F2903del, F2960del.
Identifiers: ClinVar variation 1358500 (VCV001358500.8), dbSNP rs765134338, ClinGen allele CA810731.
Genomic context (GRCh38, chr1:43,445,944, plus strand): 5'-TTTTCTATAGCACCAGCCGGCCACGGGCCATGGCTATCCTTGGAACAGAGGGTCGAGGCT[CCTT>C]CTCCTGCCCTAAAACCAAGACTGATGGGAGCCCCAAGGTAACTTGTCATATAATGGTAAA-3'